The following is an entry in ClinVar:

NM_000059.4(BRCA2):c.476_477insTA (p.Val160fs)

Gene: BRCA2 (BRCA2 DNA repair associated; plus strand). Cytogenetic location: 13q13.1.
Variant type: Insertion.
Coding change: c.476_477insTA on transcript NM_000059.4 (MANE Select); coding-DNA positions 476 to 477, TA inserted.
Protein change: p.Val160fs; shifts the reading frame from valine 160.
Molecular consequence: frameshift variant. On other transcripts: non-coding transcript variant (1).
Genome position: GRCh38 VCF-style: chr13-32326242-T-TTA. GRCh37 (hg19) VCF-style: chr13-32900379-T-TTA.
Other names: c.476_477insTA, p.Val160fs (NM_001406719.1, NM_001406720.1, NM_001406721.1 and 1 more transcripts); c.107_108insTA, p.Val37fs (NM_001406722.1); short protein forms V37fs, V160fs.
Identifiers: ClinVar variation 3653015 (VCV003653015.2).

ClinVar aggregate classification (germline): Pathogenic (1 of 4 stars; one submission).

Conditions:
Hereditary breast ovarian cancer syndrome. Also called: BRCA1- and BRCA2-Associated Hereditary Breast and Ovarian Cancer; Breast and ovarian cancer; Hereditary breast and ovarian cancer syndrome (HBOC); Hereditary breast and ovarian cancer syndrome; Hereditary breast and/or ovarian cancer syndrome; Hereditary breast and ovarian cancer. Identifiers: Orphanet 145, MedGen C0677776, MeSH D061325, MONDO:0003582. Disease mechanism: loss of function.

Submission:

Labcorp Genetics (formerly Invitae), Labcorp
Classification: Pathogenic for Hereditary breast ovarian cancer syndrome. Last evaluated: 2024-05-11. Review status: criteria provided, single submitter. Criteria: Invitae Variant Classification Sherloc (09022015). Collection method: clinical testing. Allele origin: germline.
Comment: This sequence change creates a premature translational stop signal (p.Val160Argfs*13) in the BRCA2 gene. It is expected to result in an absent or disrupted protein product. Loss-of-function variants in BRCA2 are known to be pathogenic (PMID: 20104584). This variant is not present in population databases (gnomAD no frequency). This variant has not been reported in the literature in individuals affected with BRCA2-related conditions. Algorithms developed to predict the effect of sequence changes on RNA splicing suggest that this variant may create or strengthen a splice site. For these reasons, this variant has been classified as Pathogenic.

Literature cited by the submitters: PubMed 20104584.